The following is an entry in ClinVar:

NM_052989.3(IFT122):c.349+5G>A

Gene: IFT122 (intraflagellar transport 122; plus strand). Cytogenetic location: 3q21.3.
Variant type: single nucleotide variant.
Coding change: c.349+5G>A on transcript NM_052989.3 (MANE Select); 5 bases into the intron after coding-DNA position 349, G replaced by A.
Molecular consequence: intron variant.
Genome position (GRCh38, 1-based): chr3:129,461,309, G>A. VCF-style: chr3-129461309-G-A. GRCh37 (hg19) VCF-style: chr3-129180152-G-A.
Other names: IVS6, G-A, +5; c.-102+5G>A (NM_001280545.2, NM_001280546.2); c.502+5G>A (NM_052985.4, NM_001280541.2); c.349+5G>A (NM_018262.4); c.194-2251G>A (NM_052990.3).
Identifiers: ClinVar variation 4637 (VCV000004637.11), dbSNP rs376595844, ClinGen allele CA340278.
Genomic context (GRCh38, chr3:129,461,309, plus strand): 5'-TGTCTCCTACAATCCTATTACTCATCAACTGGCATCTTGTTCCTCCAGTGACTTTGGTAC[G>A]TTCTGATTCCTGATGTCCTGTCCTGGAATAACTGAAAATCTGGGCTAAAAATGCTAAAAT-3'

ClinVar aggregate classification (germline): Uncertain significance. Review status: criteria provided, multiple submitters, no conflicts (2 of 4 stars). 4 submissions from 4 submitters: Uncertain significance (2). 2 of the submissions do not count toward it. Last evaluated 2024-02-15.

Conditions:
Cranioectodermal dysplasia 1 (CED1). Also called: LEVIN SYNDROME I. Identifiers: Orphanet 1515, MedGen C0432235, MONDO:0021093, OMIM 218330.

Allele frequency attached by ClinVar (database versions not stated): gnomAD 0.00003 and 0.00004; gnomAD exomes 0.00004; TOPMed 0.00005; ESP Exome Variant Server 0.00015.
gnomAD v4.1: 69 of 1,603,654 alleles (0.0043%); highest among the groups gnomAD compares: African/African-American, 0.0054%; no homozygotes.

Submissions (4):

Fulgent Genetics
Classification: Uncertain significance for Cranioectodermal dysplasia 1. Last evaluated: 2024-02-15. Review status: criteria provided, single submitter. Criteria: ACMG Guidelines, 2015. Collection method: clinical testing. Allele origin: germline.

Labcorp Genetics (formerly Invitae), Labcorp
Classification: Uncertain significance for Cranioectodermal dysplasia 1. Last evaluated: 2023-08-10. Review status: criteria provided, single submitter. Criteria: Invitae Variant Classification Sherloc (09022015). Collection method: clinical testing. Allele origin: germline.
Comment: In summary, the available evidence is currently insufficient to determine the role of this variant in disease. Therefore, it has been classified as a Variant of Uncertain Significance. Variants that disrupt the consensus splice site are a relatively common cause of aberrant splicing (PMID: 17576681, 9536098). Studies have shown that this variant results in skipping of exon 6 and introduces a premature termination codon (PMID: 20493458). The resulting mRNA is expected to undergo nonsense-mediated decay. ClinVar contains an entry for this variant (Variation ID: 4637). This variant has been observed in individual(s) with IFT122-related conditions (PMID: 20493458). This variant is present in population databases (rs376595844, gnomAD 0.004%). This sequence change falls in intron 6 of the IFT122 gene. It does not directly change the encoded amino acid sequence of the IFT122 protein. RNA analysis indicates that this variant induces altered splicing and may result in an absent or disrupted protein product.

OMIM
Classification: Pathogenic for CRANIOECTODERMAL DYSPLASIA 1. Last evaluated: 2010-06-11. Review status: no assertion criteria provided. Collection method: literature only. Allele origin: germline. Not counted in ClinVar's aggregate classification.

GeneReviews
No classification provided. Condition: Cranioectodermal dysplasia 1. Review status: no classification provided. Collection method: literature only. Allele origin: unknown. Not counted in ClinVar's aggregate classification.

Literature cited by the submitters: PubMed 17576681 (cited by Labcorp Genetics (formerly Invitae), Labcorp); PubMed 9536098 (cited by Labcorp Genetics (formerly Invitae), Labcorp); PubMed 20493458 (cited by 3 submitters); PubMed 17022080 (cited by OMIM); PubMed 24027799 (cited by GeneReviews); NCBI Bookshelf NBK154653 (cited by GeneReviews).